The following is an entry in ClinVar:

NM_024642.5(GALNT12):c.914T>C (p.Ile305Thr)

Gene: GALNT12 (polypeptide N-acetylgalactosaminyltransferase 12; plus strand). Cytogenetic location: 9q22.33.
Variant type: single nucleotide variant.
Coding change: c.914T>C on transcript NM_024642.5 (MANE Select); coding-DNA position 914, T replaced by C.
Protein change: p.Ile305Thr; replaces isoleucine 305 with threonine.
Molecular consequence: missense variant.
Genome position (GRCh38, 1-based): chr9:98,831,954, T>C. VCF-style: chr9-98831954-T-C. GRCh37 (hg19) VCF-style: chr9-101594236-T-C.
Other names: short protein forms I305T.
Identifiers: ClinVar variation 963312 (VCV000963312.13), dbSNP rs1836010243, ClinGen allele CA374218433.

ClinVar aggregate classification (germline): Uncertain significance. Review status: criteria provided, multiple submitters, no conflicts (2 of 4 stars). 2 submissions from 2 submitters: Uncertain significance (2). Last evaluated 2025-06-26.

Allele frequency attached by ClinVar (database versions not stated): gnomAD exomes below 0.00001.
gnomAD v4.1: 2 of 1,613,620 alleles (0.00012%); highest among the groups gnomAD compares: Non-Finnish European, 0.00017%; no homozygotes.

Submissions (2):

Ambry Genetics
Classification: Uncertain significance. Last evaluated: 2025-06-26. Review status: criteria provided, single submitter. Criteria: Ambry Variant Classification Scheme 2023. Collection method: clinical testing. Allele origin: germline.
Comment: The p.I305T variant (also known as c.914T>C), located in coding exon 4 of the GALNT12 gene, results from a T to C substitution at nucleotide position 914. The isoleucine at codon 305 is replaced by threonine, an amino acid with similar properties. This amino acid position is highly conserved in available vertebrate species. In addition, this alteration is predicted to be deleterious by in silico analysis. Since supporting evidence is limited at this time, the clinical significance of this alteration remains unclear.

Labcorp Genetics (formerly Invitae), Labcorp
Classification: Uncertain significance. Last evaluated: 2019-07-19. Review status: criteria provided, single submitter. Criteria: Invitae Variant Classification Sherloc (09022015). Collection method: clinical testing. Allele origin: germline.
Comment: This variant is not present in population databases (ExAC no frequency). This sequence change replaces isoleucine with threonine at codon 305 of the GALNT12 protein (p.Ile305Thr). The isoleucine residue is highly conserved and there is a moderate physicochemical difference between isoleucine and threonine. This variant has not been reported in the literature in individuals with GALNT12-related conditions. In summary, the available evidence is currently insufficient to determine the role of this variant in disease. Therefore, it has been classified as a Variant of Uncertain Significance. Algorithms developed to predict the effect of missense changes on protein structure and function (SIFT, PolyPhen-2, Align-GVGD) all suggest that this variant is likely to be disruptive, but these predictions have not been confirmed by published functional studies and their clinical significance is uncertain.